The following is an entry in ClinVar:

NM_004371.4(COPA):c.2690G>A (p.Gly897Glu)

Gene: COPA (coat protein complex I subunit alpha; minus strand). Cytogenetic location: 1q23.2.
Variant type: single nucleotide variant.
Coding change: c.2690G>A on transcript NM_004371.4 (MANE Select); coding-DNA position 2690, G replaced by A.
Protein change: p.Gly897Glu; replaces glycine 897 with glutamic acid.
Molecular consequence: missense variant.
Genome position (GRCh38, 1-based): chr1:160,293,450, C>T on the plus strand (G>A on the coding strand, the complement: COPA is on the minus strand). VCF-style: chr1-160293450-C-T. GRCh37 (hg19) VCF-style: chr1-160263240-C-T.
Other names: c.2717G>A, p.Gly906Glu (NM_001098398.2); c.2717G>A (NM_001098398.1); short protein forms G906E, G897E.
Identifiers: ClinVar variation 940772 (VCV000940772.10), dbSNP rs201089543, ClinGen allele CA1197811.

ClinVar aggregate classification (germline): Conflicting classifications of pathogenicity. Review status: criteria provided, conflicting classifications (1 of 4 stars). 2 submissions from 2 submitters: Uncertain significance (1); Likely benign (1). Last evaluated 2025-09-10.

Conditions:
Autoimmune interstitial lung disease-arthritis syndrome. Also called: Autoinflammation and autoimmunity, systemic, with immune dysregulation. Identifiers: Orphanet 444092, MedGen C5975714, MONDO:0014629.
Inborn genetic diseases. Identifiers: MedGen C0950123, MeSH D030342.

Allele frequency attached by ClinVar (database versions not stated): ExAC 0.00001; gnomAD 0.00001; TOPMed 0.00001; gnomAD exomes 0.00002; 1000 Genomes Project 0.00020; 1000 Genomes Project 30x 0.00031.
gnomAD v4.1: 33 of 1,602,584 alleles (0.0021%); highest among the groups gnomAD compares: Non-Finnish European, 0.0024%; no homozygotes.

Submissions (2):

Ambry Genetics
Classification: Uncertain significance for Inborn genetic diseases. Last evaluated: 2025-09-10. Review status: criteria provided, single submitter. Criteria: Ambry Variant Classification Scheme 2023. Collection method: clinical testing. Allele origin: germline.

Labcorp Genetics (formerly Invitae), Labcorp
Classification: Likely benign for Autoimmune interstitial lung disease-arthritis syndrome. Last evaluated: 2022-09-01. Review status: criteria provided, single submitter. Criteria: Invitae Variant Classification Sherloc (09022015). Collection method: clinical testing. Allele origin: germline.